The following is an entry in ClinVar:

NM_002460.4(IRF4):c.16G>C (p.Gly6Arg)

Gene: IRF4 (interferon regulatory factor 4; plus strand). Cytogenetic location: 6p25.3.
Variant type: single nucleotide variant.
Coding change: c.16G>C on transcript NM_002460.4 (MANE Select); coding-DNA position 16, G replaced by C.
Protein change: p.Gly6Arg; replaces glycine 6 with arginine.
Molecular consequence: missense variant. On other transcripts: non-coding transcript variant (1).
Genome position (GRCh38, 1-based): chr6:393,168, G>C. VCF-style: chr6-393168-G-C. GRCh37 (hg19) VCF-style: chr6-393168-G-C.
Other names: c.16G>C, p.Gly6Arg (NM_001195286.2); short protein forms G6R.
Identifiers: ClinVar variation 2968043 (VCV002968043.3), dbSNP rs1296646377, ClinGen allele CA362546242.
Genomic context (GRCh38, chr6:393,168, plus strand): 5'-AGCGGGCGGAGGACCCCGGGCGCGGGCGCGGACGGCACGCGGGGCATGAACCTGGAGGGC[G>C]GCGGCCGAGGCGGAGAGTTCGGCATGAGCGCGGTGAGCTGCGGCAACGGGAAGCTCCGCC-3'
Protein context (NP_002451.2, residues 1-16): MNLEG[Gly6Arg]GRGGEFGMSA

ClinVar aggregate classification (germline): Uncertain significance (1 of 4 stars; one submission).

Submission:

Labcorp Genetics (formerly Invitae), Labcorp
Classification: Uncertain significance. Last evaluated: 2023-05-26. Review status: criteria provided, single submitter. Criteria: Invitae Variant Classification Sherloc (09022015). Collection method: clinical testing. Allele origin: germline.
Comment: In summary, the available evidence is currently insufficient to determine the role of this variant in disease. Therefore, it has been classified as a Variant of Uncertain Significance. An algorithm developed to predict the effect of missense changes on protein structure and function (PolyPhen-2) suggests that this variant is likely to be tolerated. This variant has not been reported in the literature in individuals affected with IRF4-related conditions. The frequency data for this variant in the population databases is considered unreliable, as metrics indicate poor data quality at this position in the gnomAD database. This sequence change replaces glycine, which is neutral and non-polar, with arginine, which is basic and polar, at codon 6 of the IRF4 protein (p.Gly6Arg).